The following is an entry in ClinVar:

NM_006744.4(RBP4):c.176T>A (p.Ile59Asn)

Genes: FFAR4 (free fatty acid receptor 4; plus strand), RBP4 (retinol binding protein 4; minus strand). Cytogenetic location: 10q23.33.
Variant type: single nucleotide variant.
Coding change: c.176T>A on transcript NM_006744.4 (MANE Select); coding-DNA position 176, T replaced by A.
Protein change: p.Ile59Asn; replaces isoleucine 59 with asparagine.
Molecular consequence: missense variant.
Genome position (GRCh38, 1-based): chr10:93,600,739, A>T on the plus strand (T>A on the coding strand, the complement: RBP4 is on the minus strand). VCF-style: chr10-93600739-A-T. GRCh37 (hg19) VCF-style: chr10-95360496-A-T.
Other names: I41N; c.176T>A, p.Ile59Asn (NM_001323517.1); c.170T>A, p.Ile57Asn (NM_001323518.2); short protein forms I59N, I57N.
Identifiers: ClinVar variation 13067 (VCV000013067.12), dbSNP rs121918584, ClinGen allele CA122832.
Genomic context (GRCh38, chr10:93,600,739, plus strand): 5'-ACTCGGCCCTTGGCTGTGGCGCTCATCTGGCCGGTCTCGTCCACGGAGAACTCCGCGACG[A>T]TGTTGTCCTGCAGAAAGAGGCCCTCGGGGTCCTTCTTGGCCATGGCGTACCAGGTCCCAG-3'
Protein context (NP_006735.2, residues 49-69): DPEGLFLQDN[Ile59Asn]VAEFSVDETG

ClinVar aggregate classification (germline): Conflicting classifications of pathogenicity. Review status: criteria provided, conflicting classifications (1 of 4 stars). 3 submissions from 3 submitters: Likely pathogenic (1); Uncertain significance (1). 1 of the submissions does not count toward it. Last evaluated 2023-11-23.

Conditions:
Progressive retinal dystrophy due to retinol transport defect. Also called: Retinal dystrophy, iris coloboma, and comedogenic acne syndrome. Identifiers: Orphanet 352718, MedGen C3554593, MONDO:0014060, OMIM 615147.

gnomAD v4.1: 2 of 1,611,472 alleles (0.00012%); highest among the groups gnomAD compares: Non-Finnish European, 0.00017%; no homozygotes.

Submissions (3):

Institute of Medical Genetics and Applied Genomics, University Hospital Tübingen
Classification: Likely pathogenic for Progressive retinal dystrophy due to retinol transport defect. Last evaluated: 2023-11-23. Review status: criteria provided, single submitter. Criteria: ACMG Guidelines, 2015. Collection method: clinical testing. Allele origin: germline. Inheritance: Autosomal recessive inheritance. Affected: yes.

Labcorp Genetics (formerly Invitae), Labcorp
Classification: Uncertain significance. Last evaluated: 2019-07-11. Review status: criteria provided, single submitter. Criteria: Invitae Variant Classification Sherloc (09022015). Collection method: clinical testing. Allele origin: germline.
Comment: This sequence change replaces isoleucine with asparagine at codon 59 of the RBP4 protein (p.Ile59Asn). The isoleucine residue is moderately conserved and there is a large physicochemical difference between isoleucine and asparagine. This variant is not present in population databases (ExAC no frequency). This variant has been observed to segregate with clinical features of autosomal recessive retinitis pigmentosa in a family (PMID: 9888420, 10232633). This variant is also known as p.Ile41Asn. ClinVar contains an entry for this variant (Variation ID: 13067). This variant has been reported to affect RBP4 protein function (PMID: 25910211, 16157297). In summary, the available evidence is currently insufficient to determine the role of this variant in disease. Therefore, it has been classified as a Variant of Uncertain Significance.

OMIM
Classification: Pathogenic for RETINAL DYSTROPHY, IRIS COLOBOMA, AND COMEDOGENIC ACNE SYNDROME. Last evaluated: 2005-11-04. Review status: no assertion criteria provided. Collection method: literature only. Allele origin: germline. Not counted in ClinVar's aggregate classification.

Literature cited by the submitters: PubMed 9888420 (cited by Labcorp Genetics (formerly Invitae), Labcorp and OMIM); PubMed 10232633 (cited by Labcorp Genetics (formerly Invitae), Labcorp); PubMed 25910211 (cited by Labcorp Genetics (formerly Invitae), Labcorp); PubMed 16157297 (cited by Labcorp Genetics (formerly Invitae), Labcorp and OMIM).